The following is an entry in ClinVar:

ClinVar aggregate classification (germline): Pathogenic (1 of 4 stars; one submission).

Conditions:
Carnitine palmitoyl transferase 1A deficiency. Also called: Carnitine palmitoyltransferase 1A deficiency; CPT deficiency, hepatic, type IA; Carnitine palmitoyltransferase type I deficiency; CPT I DEFICIENCY; CPT DEFICIENCY, HEPATIC, TYPE I. Identifiers: Orphanet 156, MedGen C1829703, MONDO:0009705, OMIM 255120.

Submission:

Myriad Genetics, Inc.
Classification: Pathogenic for Carnitine palmitoyl transferase 1A deficiency. Last evaluated: 2025-12-13. Review status: criteria provided, single submitter. Criteria: Myriad Autosomal Dominant, Autosomal Recessive and X-Linked Classification Criteria (2023). Collection method: clinical testing. Allele origin: unknown.
Comment: NM_001876.3(CPT1A):c.1722_1737del16(Q575Rfs*14) is expected to be pathogenic in the context of carnitine palmitoyltransferase IA deficiency. This variant is predicted to lead to an abnormal or absent protein product due to the creation of a premature termination codon in CPT1A, a gene where loss-of-function variants are known to be pathogenic. Please note: this variant was assessed in the context of healthy population screening.

NM_001876.4(CPT1A):c.1722_1737del (p.Gln575fs)

Gene: CPT1A (carnitine palmitoyltransferase 1A; minus strand). Cytogenetic location: 11q13.3.
Variant type: Deletion.
Coding change: c.1722_1737del on transcript NM_001876.4 (MANE Select); coding-DNA positions 1722 to 1737, 16 bases deleted (CCAGCTGGCGCACTAC).
Protein change: p.Gln575fs; shifts the reading frame from glutamine 575.
Molecular consequence: frameshift variant.
Genome position (GRCh38, 1-based): chr11:68,773,268-68,773,283, GTAGTGCGCCAGCTGG deleted on the plus strand (CCAGCTGGCGCACTAC on the coding strand, the reverse complement: CPT1A is on the minus strand). VCF-style (leftmost placement, unchanged base first): chr11-68773267-TGTAGTGCGCCAGCTGG-T. GRCh37 (hg19) VCF-style: chr11-68540735-TGTAGTGCGCCAGCTGG-T.
Other names: c.1722_1737del, p.Gln575fs (NM_001031847.3, NM_001440358.1, NM_001440359.1 and 3 more transcripts); c.1614_1629del, p.Gln539fs (NM_001440363.1); c.1536_1551del, p.Gln513fs (NM_001440365.1); short protein forms Q513fs, Q539fs, Q575fs.
Identifiers: ClinVar variation 5015319 (VCV005015319.1).